The following is an entry in ClinVar:

ClinVar aggregate classification (germline): Pathogenic (1 of 4 stars; one submission).

Submission:

Labcorp Genetics (formerly Invitae), Labcorp
Classification: Pathogenic. Last evaluated: 2022-10-04. Review status: criteria provided, single submitter. Criteria: Invitae Variant Classification Sherloc (09022015). Collection method: clinical testing. Allele origin: germline.
Comment: This variant has not been reported in the literature in individuals affected with COL9A3-related conditions. For these reasons, this variant has been classified as Pathogenic. This variant is not present in population databases (gnomAD no frequency). This sequence change creates a premature translational stop signal (p.Pro4Argfs*84) in the COL9A3 gene. It is expected to result in an absent or disrupted protein product. Loss-of-function variants in COL9A3 are known to be pathogenic (PMID: 24273071, 31090205).

Literature cited by the submitters: PubMed 24273071; PubMed 31090205.

NM_001853.4(COL9A3):c.9del (p.Pro4fs)

Gene: COL9A3 (collagen type IX alpha 3 chain; plus strand). Cytogenetic location: 20q13.33.
Variant type: Deletion.
Coding change: c.9del on transcript NM_001853.4 (MANE Select); coding-DNA position 9, one base deleted (G; older notation c.9delG).
Protein change: p.Pro4fs; shifts the reading frame from proline 4.
Molecular consequence: frameshift variant.
Genome position (GRCh38, 1-based): chr20:62,817,073, G deleted; the last of 3 consecutive G bases (chr20:62,817,071-62,817,073); deleting any one gives the same sequence. VCF-style (leftmost placement, unchanged base first): chr20-62817070-CG-C. GRCh37 (hg19) VCF-style: chr20-61448422-CG-C.
Other names: short protein forms P4fs.
Identifiers: ClinVar variation 2034095 (VCV002034095.4), dbSNP rs2516015591, ClinGen allele CA2580098355.